The following is an entry in ClinVar:

ClinVar aggregate classification (germline): Likely benign. Review status: criteria provided, multiple submitters, no conflicts (2 of 4 stars). 3 submissions from 3 submitters: Likely benign (2). 1 of the submissions does not count toward it. Last evaluated 2023-05-19.

Conditions:
RBM28-related disorder. Also called: RBM28-related condition.

Allele frequency attached by ClinVar (database versions not stated): gnomAD exomes 0.00007 and 0.00019; 1000 Genomes Project 30x 0.00016; ExAC 0.00031; gnomAD 0.00044 and 0.00049; TOPMed 0.00054; ESP Exome Variant Server 0.00062.
gnomAD v4.1: 172 of 1,614,096 alleles (0.011%); highest among the groups gnomAD compares: African/African-American, 0.13%; no homozygotes.

Submissions (3):

Blueprint Genetics
Classification: Likely benign. Last evaluated: 2023-05-19. Review status: criteria provided, single submitter. Criteria: ACMG Guidelines, 2015. Collection method: clinical testing. Allele origin: germline.

Labcorp Genetics (formerly Invitae), Labcorp
Classification: Likely benign. Last evaluated: 2018-07-04. Review status: criteria provided, single submitter. Criteria: Invitae Variant Classification Sherloc (09022015). Collection method: clinical testing. Allele origin: germline.

PreventionGenetics, part of Exact Sciences
Classification: Likely benign for RBM28-related condition. Last evaluated: 2019-06-24. Review status: no assertion criteria provided. Collection method: clinical testing. Allele origin: germline. Not counted in ClinVar's aggregate classification.
Comment: This variant is classified as likely benign based on ACMG/AMP sequence variant interpretation guidelines (Richards et al. 2015 PMID: 25741868, with internal and published modifications).

NM_018077.3(RBM28):c.1944C>T (p.Thr648=)

Gene: RBM28 (RNA binding motif protein 28; minus strand). Cytogenetic location: 7q32.1.
Variant type: single nucleotide variant.
Coding change: c.1944C>T on transcript NM_018077.3 (MANE Select); coding-DNA position 1944, C replaced by T.
Protein change: p.Thr648=; no amino-acid change (threonine 648 retained).
Molecular consequence: synonymous variant.
Genome position (GRCh38, 1-based): chr7:128,314,865, G>A on the plus strand (C>T on the coding strand, the complement: RBM28 is on the minus strand). VCF-style: chr7-128314865-G-A. GRCh37 (hg19) VCF-style: chr7-127954918-G-A.
Other names: c.1521C>T, p.Thr507= (NM_001166135.2).
Identifiers: ClinVar variation 727783 (VCV000727783.6), dbSNP rs142393569, ClinGen allele CA4469859.